The following is an entry in ClinVar:

ClinVar aggregate classification (germline): Uncertain significance. Review status: criteria provided, multiple submitters, no conflicts (2 of 4 stars). 2 submissions from 2 submitters: Uncertain significance (2). Last evaluated 2024-07-03.

Conditions:
Hereditary cancer-predisposing syndrome. Also called: Neoplastic Syndromes, Hereditary; Tumor predisposition; Hereditary Cancer Syndrome; Hereditary neoplastic syndrome. Identifiers: Orphanet 140162, MedGen C0027672, MeSH D009386, MONDO:0015356.
Hereditary nonpolyposis colorectal neoplasms. Identifiers: MedGen C0009405, MeSH D003123.

Submissions (2):

Ambry Genetics
Classification: Uncertain significance for Hereditary cancer-predisposing syndrome. Last evaluated: 2024-07-03. Review status: criteria provided, single submitter. Criteria: Ambry Variant Classification Scheme 2023. Collection method: clinical testing. Allele origin: germline.
Comment: The p.S1208T variant (also known as c.3622T>A), located in coding exon 7 of the MSH6 gene, results from a T to A substitution at nucleotide position 3622. The serine at codon 1208 is replaced by threonine, an amino acid with similar properties. This amino acid position is highly conserved in available vertebrate species. In addition, this alteration is predicted to be deleterious by in silico analysis. Based on the available evidence, the clinical significance of this variant remains unclear.

Labcorp Genetics (formerly Invitae), Labcorp
Classification: Uncertain significance for Hereditary nonpolyposis colorectal neoplasms. Last evaluated: 2022-05-12. Review status: criteria provided, single submitter. Criteria: Invitae Variant Classification Sherloc (09022015). Collection method: clinical testing. Allele origin: germline.
Comment: In summary, the available evidence is currently insufficient to determine the role of this variant in disease. Therefore, it has been classified as a Variant of Uncertain Significance. Advanced modeling of protein sequence and biophysical properties (such as structural, functional, and spatial information, amino acid conservation, physicochemical variation, residue mobility, and thermodynamic stability) performed at Invitae indicates that this missense variant is expected to disrupt MSH6 protein function. This variant has not been reported in the literature in individuals affected with MSH6-related conditions. This variant is not present in population databases (gnomAD no frequency). This sequence change replaces serine, which is neutral and polar, with threonine, which is neutral and polar, at codon 1208 of the MSH6 protein (p.Ser1208Thr).

NM_000179.3(MSH6):c.3622T>A (p.Ser1208Thr)

Gene: MSH6 (mutS homolog 6; plus strand). Cytogenetic location: 2p16.3.
Variant type: single nucleotide variant.
Coding change: c.3622T>A on transcript NM_000179.3 (MANE Select); coding-DNA position 3622, T replaced by A.
Protein change: p.Ser1208Thr; replaces serine 1208 with threonine.
Molecular consequence: missense variant.
Genome position (GRCh38, 1-based): chr2:47,805,683, T>A. VCF-style: chr2-47805683-T-A. GRCh37 (hg19) VCF-style: chr2-48032822-T-A.
Other names: c.3232T>A, p.Ser1078Thr (NM_001281492.2); c.2716T>A, p.Ser906Thr (NM_001281493.2, NM_001281494.2, NM_001406811.1 and 6 more transcripts); c.3718T>A, p.Ser1240Thr (NM_001406795.1, NM_001406802.1); c.3622T>A, p.Ser1208Thr (NM_001406796.1, NM_001406800.1, NM_001406808.1 and 1 more transcripts); c.3325T>A, p.Ser1109Thr (NM_001406797.1, NM_001406801.1, NM_001406805.1 and 10 more transcripts); c.3448T>A, p.Ser1150Thr (NM_001406798.1); c.3097T>A, p.Ser1033Thr (NM_001406799.1, NM_001406806.1, NM_001406807.1); c.2758T>A, p.Ser920Thr (NM_001406803.1); and 7 more; short protein forms S1152T, S523T, S920T, S1182T, S1240T, S135T, S906T, S1033T.
Identifiers: ClinVar variation 1733342 (VCV001733342.8), dbSNP rs1572742015, ClinGen allele CA346760588.